The following is an entry in ClinVar:

NM_007126.5(VCP):c.1063C>A (p.Pro355Thr)

Gene: VCP (valosin containing protein; minus strand). Cytogenetic location: 9p13.3.
Variant type: single nucleotide variant.
Coding change: c.1063C>A on transcript NM_007126.5 (MANE Select); coding-DNA position 1063, C replaced by A.
Protein change: p.Pro355Thr; replaces proline 355 with threonine.
Molecular consequence: missense variant.
Genome position (GRCh38, 1-based): chr9:35,062,021, G>T on the plus strand (C>A on the coding strand, the complement: VCP is on the minus strand). VCF-style: chr9-35062021-G-T. GRCh37 (hg19) VCF-style: chr9-35062018-G-T.
Other names: c.928C>A, p.Pro310Thr (NM_001354927.2, NM_001354928.2); short protein forms P355T, P310T.
Identifiers: ClinVar variation 3393784 (VCV003393784.1).

ClinVar aggregate classification (germline): Uncertain significance (1 of 4 stars; one submission).

gnomAD v4.1: 17 of 1,614,180 alleles (0.0011%); highest among the groups gnomAD compares: Non-Finnish European, 0.0014%; no homozygotes.

Submission:

GeneDx
Classification: Uncertain significance. Last evaluated: 2024-07-05. Review status: criteria provided, single submitter. Criteria: GeneDx Variant Classification Process June 2021. Collection method: clinical testing. Allele origin: germline. Affected: yes.
Comment: Not observed at significant frequency in large population cohorts (gnomAD); In silico analysis supports that this missense variant has a deleterious effect on protein structure/function; Has not been previously published as pathogenic or benign to our knowledge